The following is an entry in ClinVar:

NM_002454.3(MTRR):c.686C>G (p.Thr229Ser)

Gene: MTRR (5-methyltetrahydrofolate-homocysteine methyltransferase reductase; plus strand). Cytogenetic location: 5p15.31.
Variant type: single nucleotide variant.
Coding change: c.686C>G on transcript NM_002454.3 (MANE Select); coding-DNA position 686, C replaced by G.
Protein change: p.Thr229Ser; replaces threonine 229 with serine.
Molecular consequence: missense variant. On other transcripts: non-coding transcript variant (14).
Genome position (GRCh38, 1-based): chr5:7,878,228, C>G. VCF-style: chr5-7878228-C-G. GRCh37 (hg19) VCF-style: chr5-7878341-C-G.
Other names: c.686C>G, p.Thr229Ser (NM_001364440.2, NM_001364441.2, NM_001364442.2 and 1 more transcripts); short protein forms T229S.
Identifiers: ClinVar variation 3714363 (VCV003714363.2).

ClinVar aggregate classification (germline): Uncertain significance (1 of 4 stars; one submission).

Conditions:
Methylcobalamin deficiency type cblE (HMAE). Also called: VITAMIN B12-RESPONSIVE HOMOCYSTINURIA, cblE TYPE; HOMOCYSTINURIA-MEGALOBLASTIC ANEMIA, cblE TYPE; HOMOCYSTINURIA-MEGALOBLASTIC ANEMIA, cblE COMPLEMENTATION TYPE. Identifiers: Orphanet 2169, Orphanet 622, MedGen C1856057, MONDO:0009354, OMIM 236270.

gnomAD v4.1: 9 of 1,614,190 alleles (0.00056%); highest among the groups gnomAD compares: East Asian, 0.011%; no homozygotes.

Submission:

Labcorp Genetics (formerly Invitae), Labcorp
Classification: Uncertain significance for Methylcobalamin deficiency type cblE. Last evaluated: 2024-12-02. Review status: criteria provided, single submitter. Criteria: Invitae Variant Classification Sherloc (09022015). Collection method: clinical testing. Allele origin: germline.
Comment: This sequence change replaces threonine, which is neutral and polar, with serine, which is neutral and polar, at codon 229 of the MTRR protein (p.Thr229Ser). This variant is present in population databases (no rsID available, gnomAD 0.003%). This variant has not been reported in the literature in individuals affected with MTRR-related conditions. An algorithm developed to predict the effect of missense changes on protein structure and function (PolyPhen-2) suggests that this variant is likely to be tolerated. In summary, the available evidence is currently insufficient to determine the role of this variant in disease. Therefore, it has been classified as a Variant of Uncertain Significance.